The following is an entry in ClinVar:

NM_005732.4(RAD50):c.688A>G (p.Lys230Glu)

Gene: RAD50 (RAD50 double strand break repair protein; plus strand). Cytogenetic location: 5q31.1.
Variant type: single nucleotide variant.
Coding change: c.688A>G on transcript NM_005732.4 (MANE Select); coding-DNA position 688, A replaced by G.
Protein change: p.Lys230Glu; replaces lysine 230 with glutamic acid.
Molecular consequence: missense variant.
Genome position (GRCh38, 1-based): chr5:132,579,998, A>G. VCF-style: chr5-132579998-A-G. GRCh37 (hg19) VCF-style: chr5-131915690-A-G.
Other names: short protein forms K230E.
Identifiers: ClinVar variation 570765 (VCV000570765.10), dbSNP rs1554097824, ClinGen allele CA360936537.

ClinVar aggregate classification (germline): Uncertain significance. Review status: criteria provided, multiple submitters, no conflicts (2 of 4 stars). 2 submissions from 2 submitters: Uncertain significance (2). Last evaluated 2024-02-26.

Conditions:
Hereditary cancer-predisposing syndrome. Also called: Hereditary neoplastic syndrome; Tumor predisposition; Neoplastic Syndromes, Hereditary; Hereditary Cancer Syndrome. Identifiers: Orphanet 140162, MedGen C0027672, MeSH D009386, MONDO:0015356.

Submissions (2):

Ambry Genetics
Classification: Uncertain significance for Hereditary cancer-predisposing syndrome. Last evaluated: 2024-02-26. Review status: criteria provided, single submitter. Criteria: Ambry Variant Classification Scheme 2023. Collection method: clinical testing. Allele origin: germline.
Comment: The p.K230E variant (also known as c.688A>G), located in coding exon 5 of the RAD50 gene, results from an A to G substitution at nucleotide position 688. The lysine at codon 230 is replaced by glutamic acid, an amino acid with similar properties. This amino acid position is conserved. In addition, this alteration is predicted to be tolerated by in silico analysis. Based on the available evidence, the clinical significance of this alteration remains unclear.

Labcorp Genetics (formerly Invitae), Labcorp
Classification: Uncertain significance for Hereditary cancer-predisposing syndrome. Last evaluated: 2018-02-27. Review status: criteria provided, single submitter. Criteria: Invitae Variant Classification Sherloc (09022015). Collection method: clinical testing. Allele origin: germline.
Comment: This sequence change replaces lysine with glutamic acid at codon 230 of the RAD50 protein (p.Lys230Glu). The lysine residue is moderately conserved and there is a small physicochemical difference between lysine and glutamic acid. This variant is not present in population databases (ExAC no frequency). This variant has not been reported in the literature in individuals with RAD50-related disease. Algorithms developed to predict the effect of missense changes on protein structure and function (SIFT, PolyPhen-2, Align-GVGD) all suggest that this variant is likely to be tolerated, but these predictions have not been confirmed by published functional studies and their clinical significance is uncertain. In summary, the available evidence is currently insufficient to determine the role of this variant in disease. Therefore, it has been classified as a Variant of Uncertain Significance.